The following is an entry in ClinVar:

ClinVar aggregate classification (germline): Uncertain significance (1 of 4 stars; one submission).

Conditions:
Emery-Dreifuss muscular dystrophy 5, autosomal dominant (EDMD5). Also called: EMERY-DREIFUSS MUSCULAR DYSTROPHY 5. Identifiers: Orphanet 261, MedGen C2751805, MONDO:0013072, OMIM 612999.

Allele frequency attached by ClinVar (database versions not stated): ExAC 0.00001.
gnomAD v4.1: 5 of 1,614,002 alleles (0.00031%); highest among the groups gnomAD compares: South Asian, 0.0022%; no homozygotes.

Submission:

Labcorp Genetics (formerly Invitae), Labcorp
Classification: Uncertain significance for Emery-Dreifuss muscular dystrophy 5, autosomal dominant. Last evaluated: 2023-09-30. Review status: criteria provided, single submitter. Criteria: Invitae Variant Classification Sherloc (09022015). Collection method: clinical testing. Allele origin: germline.
Comment: This sequence change replaces aspartic acid, which is acidic and polar, with tyrosine, which is neutral and polar, at codon 4530 of the SYNE2 protein (p.Asp4530Tyr). This variant is present in population databases (rs759509423, gnomAD 0.006%). This variant has not been reported in the literature in individuals affected with SYNE2-related conditions. An algorithm developed to predict the effect of missense changes on protein structure and function (PolyPhen-2) suggests that this variant is likely to be disruptive. In summary, the available evidence is currently insufficient to determine the role of this variant in disease. Therefore, it has been classified as a Variant of Uncertain Significance.

NM_182914.3(SYNE2):c.13588G>T (p.Asp4530Tyr)

Gene: SYNE2 (spectrin repeat containing nuclear envelope protein 2; plus strand). Cytogenetic location: 14q23.2.
Variant type: single nucleotide variant.
Coding change: c.13588G>T on transcript NM_182914.3 (MANE Select); coding-DNA position 13588, G replaced by T.
Protein change: p.Asp4530Tyr; replaces aspartic acid 4530 with tyrosine.
Molecular consequence: missense variant.
Genome position (GRCh38, 1-based): chr14:64,126,360, G>T. VCF-style: chr14-64126360-G-T. GRCh37 (hg19) VCF-style: chr14-64593078-G-T.
Other names: c.13588G>T, p.Asp4530Tyr (NM_015180.6); short protein forms D4530Y.
Identifiers: ClinVar variation 2764584 (VCV002764584.3), dbSNP rs759509423, ClinGen allele CA7222507.